The following is an entry in ClinVar:

NM_001458.5(FLNC):c.4702G>A (p.Asp1568Asn)

Gene: FLNC (filamin C; plus strand). Cytogenetic location: 7q32.1.
Variant type: single nucleotide variant.
Coding change: c.4702G>A on transcript NM_001458.5 (MANE Select); coding-DNA position 4702, G replaced by A.
Protein change: p.Asp1568Asn; replaces aspartic acid 1568 with asparagine.
Molecular consequence: missense variant.
Genome position (GRCh38, 1-based): chr7:128,848,682, G>A. VCF-style: chr7-128848682-G-A. GRCh37 (hg19) VCF-style: chr7-128488736-G-A.
Other names: c.4702G>A, p.Asp1568Asn (NM_001127487.2); short protein forms D1568N.
Identifiers: ClinVar variation 962186 (VCV000962186.12), dbSNP rs1449992399, ClinGen allele CA369202764.
Genomic context (GRCh38, chr7:128,848,682, plus strand): 5'-GGCCTCAACGCCTCTGGCATCCCTGCCAGCCTGCCTGTGGAGTTCACCATCGACGCACGG[G>A]ACGCGGGCGAGGGGTTGCTCACTGTCCAGATCTTGGTGAGTCTCTGTGCATCCCACCCCG-3'
Protein context (NP_001449.3, residues 1558-1578): LPVEFTIDAR[Asp1568Asn]AGEGLLTVQI

ClinVar aggregate classification (germline): Uncertain significance. Review status: criteria provided, multiple submitters, no conflicts (2 of 4 stars). 3 submissions from 3 submitters: Uncertain significance (3). Last evaluated 2025-12-07.

Conditions:
Myofibrillar myopathy 5. Also called: Filaminopathy (type); FILAMINOPATHY, AUTOSOMAL DOMINANT. Identifiers: Orphanet 171445, MedGen C1836050, MONDO:0012289, OMIM 609524.
Distal myopathy with posterior leg and anterior hand involvement. Also called: WILLIAMS DISTAL MYOPATHY. Identifiers: Orphanet 63273, MedGen C3279722, MONDO:0013550, OMIM 614065.
Hypertrophic cardiomyopathy 26. Also called: Cardiomyopathy, familial hypertrophic, 26. Identifiers: Orphanet 75249, MedGen C4310749, MONDO:0014883, OMIM 617047.
Cardiovascular phenotype. Identifiers: MedGen CN230736.

Allele frequency attached by ClinVar (database versions not stated): TOPMed below 0.00001; gnomAD 0.00001.
gnomAD v4.1: 1 of 1,613,264 alleles (0.000062%); highest among the groups gnomAD compares: Non-Finnish European, 0.000085%; no homozygotes.

Submissions (3):

Ambry Genetics
Classification: Uncertain significance for Cardiovascular phenotype. Last evaluated: 2025-12-07. Review status: criteria provided, single submitter. Criteria: Ambry Variant Classification Scheme 2023. Collection method: clinical testing. Allele origin: germline.
Comment: The p.D1568N variant (also known as c.4702G>A), located in coding exon 27 of the FLNC gene, results from a G to A substitution at nucleotide position 4702. The aspartic acid at codon 1568 is replaced by asparagine, an amino acid with highly similar properties. This amino acid position is conserved. In addition, this alteration is predicted to be tolerated by in silico analysis. Based on the available evidence, the clinical significance of this variant remains unclear.

Labcorp Genetics (formerly Invitae), Labcorp
Classification: Uncertain significance for Distal myopathy with posterior leg and anterior hand involvement; Myofibrillar myopathy 5; Hypertrophic cardiomyopathy 26. Last evaluated: 2025-06-02. Review status: criteria provided, single submitter. Criteria: Invitae Variant Classification Sherloc (09022015). Collection method: clinical testing. Allele origin: germline.
Comment: This sequence change replaces aspartic acid, which is acidic and polar, with asparagine, which is neutral and polar, at codon 1568 of the FLNC protein (p.Asp1568Asn). This variant is not present in population databases (gnomAD no frequency). This variant has not been reported in the literature in individuals affected with FLNC-related conditions. ClinVar contains an entry for this variant (Variation ID: 962186). Invitae Evidence Modeling of protein sequence and biophysical properties (such as structural, functional, and spatial information, amino acid conservation, physicochemical variation, residue mobility, and thermodynamic stability) has been performed for this missense variant. However, the output from this modeling did not meet the statistical confidence thresholds required to predict the impact of this variant on FLNC protein function. In summary, the available evidence is currently insufficient to determine the role of this variant in disease. Therefore, it has been classified as a Variant of Uncertain Significance.

GeneDx
Classification: Uncertain significance. Last evaluated: 2023-02-16. Review status: criteria provided, single submitter. Criteria: GeneDx Variant Classification Process June 2021. Collection method: clinical testing. Allele origin: germline. Affected: yes.
Comment: Has not been previously published as pathogenic or benign to our knowledge; Not observed at significant frequency in large population cohorts (gnomAD); In silico analysis supports that this missense variant has a deleterious effect on protein structure/function